The following is an entry in ClinVar:

NM_014762.4(DHCR24):c.1020+3G>A

Gene: DHCR24 (24-dehydrocholesterol reductase; minus strand). Cytogenetic location: 1p32.3.
Variant type: single nucleotide variant.
Coding change: c.1020+3G>A on transcript NM_014762.4 (MANE Select); 3 bases into the intron after coding-DNA position 1020, G replaced by A.
Molecular consequence: intron variant.
Genome position (GRCh38, 1-based): chr1:54,865,300, C>T on the plus strand (G>A on the coding strand, the complement: DHCR24 is on the minus strand). VCF-style: chr1-54865300-C-T. GRCh37 (hg19) VCF-style: chr1-55330973-C-T.
Identifiers: ClinVar variation 1037441 (VCV001037441.4), dbSNP rs111305889, ClinGen allele CA1167903502.

ClinVar aggregate classification (germline): Uncertain significance (1 of 4 stars; one submission).

Allele frequency attached by ClinVar (database versions not stated): gnomAD exomes below 0.00001.
gnomAD v4.1: 2 of 1,612,554 alleles (0.00012%); highest among the groups gnomAD compares: East Asian, 0.0022%; no homozygotes.

Submission:

Labcorp Genetics (formerly Invitae), Labcorp
Classification: Uncertain significance. Last evaluated: 2022-07-26. Review status: criteria provided, single submitter. Criteria: Invitae Variant Classification Sherloc (09022015). Collection method: clinical testing. Allele origin: germline.
Comment: This sequence change falls in intron 6 of the DHCR24 gene. It does not directly change the encoded amino acid sequence of the DHCR24 protein. It affects a nucleotide within the consensus splice site. This variant is not present in population databases (gnomAD no frequency). This variant has not been reported in the literature in individuals affected with DHCR24-related conditions. ClinVar contains an entry for this variant (Variation ID: 1037441). Variants that disrupt the consensus splice site are a relatively common cause of aberrant splicing (PMID: 17576681, 9536098). Algorithms developed to predict the effect of sequence changes on RNA splicing suggest that this variant is not likely to affect RNA splicing. In summary, the available evidence is currently insufficient to determine the role of this variant in disease. Therefore, it has been classified as a Variant of Uncertain Significance.

Literature cited by the submitters: PubMed 17576681; PubMed 9536098.